The following is an entry in ClinVar:

ClinVar aggregate classification (germline): Uncertain significance (1 of 4 stars; one submission).

Conditions:
Schuurs-Hoeijmakers syndrome. Also called: PACS1-Related Neurodevelopmental Disorder. Identifiers: Orphanet 329224, MedGen C3554343, MONDO:0014006, OMIM 615009.

Submission:

Labcorp Genetics (formerly Invitae), Labcorp
Classification: Uncertain significance for Schuurs-Hoeijmakers syndrome. Last evaluated: 2025-12-09. Review status: criteria provided, single submitter. Criteria: Invitae Variant Classification Sherloc (09022015). Collection method: clinical testing. Allele origin: germline.
Comment: This sequence change creates a premature translational stop signal (p.Ser696*) in the PACS1 gene. It is expected to result in an absent or disrupted protein product. However, the current clinical and genetic evidence is not sufficient to establish whether loss-of-function variants in PACS1 cause disease. This variant is not present in population databases (gnomAD no frequency). This variant has not been reported in the literature in individuals affected with PACS1-related conditions. Algorithms developed to predict the effect of sequence changes on RNA splicing suggest that this variant may disrupt the consensus splice site. In summary, the available evidence is currently insufficient to determine the role of this variant in disease. Therefore, it has been classified as a Variant of Uncertain Significance.

NM_018026.4(PACS1):c.2087C>A (p.Ser696Ter)

Gene: PACS1 (phosphofurin acidic cluster sorting protein 1; plus strand). Cytogenetic location: 11q13.2.
Variant type: single nucleotide variant.
Coding change: c.2087C>A on transcript NM_018026.4 (MANE Select); coding-DNA position 2087, C replaced by A.
Protein change: p.Ser696Ter; replaces serine 696 with a stop codon.
Molecular consequence: nonsense.
Genome position (GRCh38, 1-based): chr11:66,234,225, C>A. VCF-style: chr11-66234225-C-A. GRCh37 (hg19) VCF-style: chr11-66001696-C-A.
Other names: short protein forms S696*.
Identifiers: ClinVar variation 4732854 (VCV004732854.1).